The following is an entry in ClinVar:

ClinVar aggregate classification (germline): Uncertain significance (1 of 4 stars; one submission).

Conditions:
CACNA1A-related disorder. Also called: CACNA1A-related condition.

Submission:

PreventionGenetics, part of Exact Sciences
Classification: Uncertain significance for CACNA1A-related condition. Last evaluated: 2025-07-12. Review status: criteria provided, single submitter. Criteria: ACMG Guidelines, 2015. Collection method: clinical testing. Allele origin: germline.
Comment: The CACNA1A c.503G>C variant is predicted to result in the amino acid substitution p.Gly168Ala. To our knowledge, this variant has not been reported in the literature or in a large population database (gnomAD), indicating this variant is rare. At this time, the clinical significance of this variant is uncertain due to the absence of conclusive functional and genetic evidence.

NM_001127222.2(CACNA1A):c.503G>C (p.Gly168Ala)

Gene: CACNA1A (calcium voltage-gated channel subunit alpha1 A; minus strand). Cytogenetic location: 19p13.13.
Variant type: single nucleotide variant.
Coding change: c.503G>C on transcript NM_001127222.2 (MANE Select); coding-DNA position 503, G replaced by C.
Protein change: p.Gly168Ala; replaces glycine 168 with alanine.
Molecular consequence: missense variant.
Genome position (GRCh38, 1-based): chr19:13,452,912, C>G on the plus strand (G>C on the coding strand, the complement: CACNA1A is on the minus strand). VCF-style: chr19-13452912-C-G. GRCh37 (hg19) VCF-style: chr19-13563726-C-G.
Other names: c.503G>C, p.Gly168Ala (NM_000068.4, NM_001127221.2, NM_001174080.2 and 1 more transcripts); short protein forms G168A.
Identifiers: ClinVar variation 5002582 (VCV005002582.1).